The following is an entry in ClinVar:

ClinVar aggregate classification (germline): Uncertain significance (1 of 4 stars; one submission).

Conditions:
H syndrome. Also called: Pigmented hypertrichosis and insulin-dependent diabetes mellitus; FAISALABAD HISTIOCYTOSIS; Histiocytosis with joint contractures and sensorineural deafness; Asrar Facharzt Haque syndrome; HISTIOCYTOSIS AND LYMPHADENOPATHY WITH OR WITHOUT CUTANEOUS, CARDIAC, AND/OR ENDOCRINE FEATURES, JOINT CONTRACTURES, AND/OR DEAFNESS; HYPERPIGMENTATION, CUTANEOUS, WITH HYPERTRICHOSIS, HEPATOSPLENOMEGALY, HEART ANOMALIES, AND HYPOGONADISM WITH OR WITHOUT HEARING LOSS. Identifiers: Orphanet 168569, MedGen C1864445, MONDO:0011273, OMIM 602782.

Submission:

Labcorp Genetics (formerly Invitae), Labcorp
Classification: Uncertain significance for Histiocytosis-lymphadenopathy plus syndrome. Last evaluated: 2018-08-26. Review status: criteria provided, single submitter. Criteria: Invitae Variant Classification Sherloc (09022015). Collection method: clinical testing. Allele origin: germline.
Comment: This sequence change replaces phenylalanine with cysteine at codon 240 of the SLC29A3 protein (p.Phe240Cys). The phenylalanine residue is moderately conserved and there is a large physicochemical difference between phenylalanine and cysteine. This variant is not present in population databases (ExAC no frequency). This variant has not been reported in the literature in individuals with SLC29A3-related disease. Algorithms developed to predict the effect of missense changes on protein structure and function (SIFT, PolyPhen-2, Align-GVGD) all suggest that this variant is likely to be disruptive, but these predictions have not been confirmed by published functional studies and their clinical significance is uncertain. In summary, the available evidence is currently insufficient to determine the role of this variant in disease. Therefore, it has been classified as a Variant of Uncertain Significance.

NM_018344.6(SLC29A3):c.719T>G (p.Phe240Cys)

Gene: SLC29A3 (solute carrier family 29 member 3; plus strand). Cytogenetic location: 10q22.1.
Variant type: single nucleotide variant.
Coding change: c.719T>G on transcript NM_018344.6 (MANE Select); coding-DNA position 719, T replaced by G.
Protein change: p.Phe240Cys; replaces phenylalanine 240 with cysteine.
Molecular consequence: missense variant. On other transcripts: non-coding transcript variant (2).
Genome position (GRCh38, 1-based): chr10:71,356,189, T>G. VCF-style: chr10-71356189-T-G. GRCh37 (hg19) VCF-style: chr10-73115946-T-G.
Other names: c.719T>G, p.Phe240Cys (NM_001174098.2); c.485T>G, p.Phe162Cys (NM_001363518.2); short protein forms F240C, F162C.
Identifiers: ClinVar variation 660248 (VCV000660248.1), dbSNP rs1589240617, ClinGen allele CA377111513.
Genomic context (GRCh38, chr10:71,356,189, plus strand): 5'-TGGCTGCATCCAGTGATGTGAGGAACAGCGCCCTGGCCTTCTTCCTGACGGCCACTGTCT[T>G]CCTCGTGCTCTGCATGGGACTCTACCTGCTGCTGTCCAGGCTGGAGTATGCCAGGTGAAG-3'
Protein context (NP_060814.4, residues 230-250): ALAFFLTATV[Phe240Cys]LVLCMGLYLL